The following is an entry in ClinVar:

ClinVar aggregate classification (germline): Pathogenic (1 of 4 stars; one submission).

Conditions:
Cornelia de Lange syndrome 4 (CDLS4). Also called: RAD21-Related Cornelia de Lange Syndrome; CORNELIA DE LANGE SYNDROME 4 WITH OR WITHOUT MIDLINE BRAIN DEFECTS. Identifiers: Orphanet 199, MedGen C3553517, MONDO:0013864, OMIM 614701.

Submission:

Labcorp Genetics (formerly Invitae), Labcorp
Classification: Pathogenic for Cornelia de Lange syndrome 4. Last evaluated: 2023-07-08. Review status: criteria provided, single submitter. Criteria: Invitae Variant Classification Sherloc (09022015). Collection method: clinical testing. Allele origin: germline.
Comment: This variant is not present in population databases (gnomAD no frequency). For these reasons, this variant has been classified as Pathogenic. This variant has not been reported in the literature in individuals affected with RAD21-related conditions. This sequence change creates a premature translational stop signal (p.Ile228Asnfs*2) in the RAD21 gene. It is expected to result in an absent or disrupted protein product. Loss-of-function variants in RAD21 are known to be pathogenic (PMID: 22633399, 24378232, 27620904, 27882533).

Literature cited by the submitters: PubMed 22633399; PubMed 24378232; PubMed 27620904; PubMed 27882533.

NM_006265.3(RAD21):c.683del (p.Ile228fs)

Gene: RAD21 (RAD21 cohesin complex component; minus strand). Cytogenetic location: 8q24.11.
Variant type: Deletion.
Coding change: c.683del on transcript NM_006265.3 (MANE Select); coding-DNA position 683, one base deleted (T; older notation c.683delT).
Protein change: p.Ile228fs; shifts the reading frame from isoleucine 228.
Molecular consequence: frameshift variant.
Genome position (GRCh38, 1-based): chr8:116,857,272, A deleted on the plus strand (T on the coding strand, the reverse complement: RAD21 is on the minus strand). VCF-style (leftmost placement, unchanged base first): chr8-116857271-TA-T. GRCh37 (hg19) VCF-style: chr8-117869510-TA-T.
Other names: short protein forms I228fs.
Identifiers: ClinVar variation 2738121 (VCV002738121.3), dbSNP rs2537297690, ClinGen allele CA2697550112.